The following is an entry in ClinVar:

ClinVar aggregate classification (germline): Uncertain significance. Review status: criteria provided, multiple submitters, no conflicts (2 of 4 stars). 2 submissions from 2 submitters: Uncertain significance (2). Last evaluated 2025-08-02.

Allele frequency attached by ClinVar (database versions not stated): ExAC 0.00001; gnomAD 0.00001; gnomAD exomes 0.00001.
gnomAD v4.1: 6 of 1,614,046 alleles (0.00037%); highest among the groups gnomAD compares: Non-Finnish European, 0.00051%; no homozygotes.

Submissions (2):

Ambry Genetics
Classification: Uncertain significance. Last evaluated: 2025-08-02. Review status: criteria provided, single submitter. Criteria: Ambry Variant Classification Scheme 2023. Collection method: clinical testing. Allele origin: germline.
Comment: The p.A138T variant (also known as c.412G>A), located in coding exon 4 of the RINT1 gene, results from a G to A substitution at nucleotide position 412. The alanine at codon 138 is replaced by threonine, an amino acid with similar properties. This amino acid position is conserved. In addition, this alteration is predicted to be tolerated by in silico analysis. Since supporting evidence is limited at this time, the clinical significance of this alteration remains unclear.

Labcorp Genetics (formerly Invitae), Labcorp
Classification: Uncertain significance. Last evaluated: 2025-03-27. Review status: criteria provided, single submitter. Criteria: Invitae Variant Classification Sherloc (09022015). Collection method: clinical testing. Allele origin: germline.
Comment: This sequence change replaces alanine, which is neutral and non-polar, with threonine, which is neutral and polar, at codon 138 of the RINT1 protein (p.Ala138Thr). This variant is present in population databases (rs760885620, gnomAD 0.003%). This variant has not been reported in the literature in individuals affected with RINT1-related conditions. ClinVar contains an entry for this variant (Variation ID: 2065213). An algorithm developed to predict the effect of missense changes on protein structure and function (PolyPhen-2) suggests that this variant is likely to be tolerated. In summary, the available evidence is currently insufficient to determine the role of this variant in disease. Therefore, it has been classified as a Variant of Uncertain Significance.

NM_021930.6(RINT1):c.412G>A (p.Ala138Thr)

Gene: RINT1 (RAD50 interactor 1; plus strand). Cytogenetic location: 7q22.3.
Variant type: single nucleotide variant.
Coding change: c.412G>A on transcript NM_021930.6 (MANE Select); coding-DNA position 412, G replaced by A.
Protein change: p.Ala138Thr; replaces alanine 138 with threonine.
Molecular consequence: missense variant. On other transcripts: 5 prime UTR variant (3), non-coding transcript variant (1).
Genome position (GRCh38, 1-based): chr7:105,542,546, G>A. VCF-style: chr7-105542546-G-A. GRCh37 (hg19) VCF-style: chr7-105182993-G-A.
Other names: c.178G>A, p.Ala60Thr (NM_001346599.2); c.-608G>A (NM_001346600.2); c.-511G>A (NM_001346601.2); c.-131G>A (NM_001346603.2); c.412G>A (NM_021930.4); short protein forms A138T, A60T.
Identifiers: ClinVar variation 2065213 (VCV002065213.7), dbSNP rs760885620, ClinGen allele CA4426417.